The following is an entry in ClinVar:

ClinVar aggregate classification (germline): Uncertain significance (1 of 4 stars; one submission).

Conditions:
POLD1-related polyposis and colorectal cancer syndrome (CRCS10). Also called: Colorectal cancer 10; COLORECTAL CANCER, SUSCEPTIBILITY TO, ON CHROMOSOME 19q; Colorectal cancer, susceptibility to, 10. Identifiers: Orphanet 220460, MedGen C2675481, MONDO:0012953, OMIM 612591.

Submission:

Labcorp Genetics (formerly Invitae), Labcorp
Classification: Uncertain significance for POLD1-related polyposis and colorectal cancer syndrome. Last evaluated: 2021-06-30. Review status: criteria provided, single submitter. Criteria: Invitae Variant Classification Sherloc (09022015). Collection method: clinical testing. Allele origin: germline.
Comment: Algorithms developed to predict the effect of missense changes on protein structure and function are either unavailable or do not agree on the potential impact of this missense change (SIFT: "Deleterious"; PolyPhen-2: "Possibly Damaging"; Align-GVGD: "Class C0"). This sequence change replaces methionine with lysine at codon 459 of the POLD1 protein (p.Met459Lys). The methionine residue is weakly conserved and there is a moderate physicochemical difference between methionine and lysine. This variant is not present in population databases (ExAC no frequency). This variant has not been reported in the literature in individuals affected with POLD1-related conditions. In summary, the available evidence is currently insufficient to determine the role of this variant in disease. Therefore, it has been classified as a Variant of Uncertain Significance.

NM_002691.4(POLD1):c.1376T>A (p.Met459Lys)

Gene: POLD1 (DNA polymerase delta 1, catalytic subunit; plus strand). Cytogenetic location: 19q13.33.
Variant type: single nucleotide variant.
Coding change: c.1376T>A on transcript NM_002691.4 (MANE Select); coding-DNA position 1376, T replaced by A.
Protein change: p.Met459Lys; replaces methionine 459 with lysine.
Molecular consequence: missense variant. On other transcripts: non-coding transcript variant (1).
Genome position (GRCh38, 1-based): chr19:50,406,315, T>A. VCF-style: chr19-50406315-T-A. GRCh37 (hg19) VCF-style: chr19-50909572-T-A.
Other names: c.1376T>A, p.Met459Lys (NM_001256849.1, NM_001308632.1); short protein forms M459K.
Identifiers: ClinVar variation 1463224 (VCV001463224.8), dbSNP rs2122321908, ClinGen allele CA406979981.
Genomic context (GRCh38, chr19:50,406,315, plus strand): 5'-AGCAGACGGGCCGGCGGGACACCAAGGTTGTCAGCATGGTGGGCCGCGTGCAGATGGACA[T>A]GCTGCAGGTATGGGCGGGAGGTGGGGTGTGTCCCTGTCCTTGGAAGGCCACTGCCCAGGC-3'
Protein context (NP_002682.2, residues 449-469): VSMVGRVQMD[Met459Lys]LQVLLREYKL